The following is an entry in ClinVar:

NM_152703.5(SAMD9L):c.4264C>A (p.Gln1422Lys)

Gene: SAMD9L (sterile alpha motif domain containing 9 like; minus strand). Cytogenetic location: 7q21.2.
Variant type: single nucleotide variant.
Coding change: c.4264C>A on transcript NM_152703.5 (MANE Select); coding-DNA position 4264, C replaced by A.
Protein change: p.Gln1422Lys; replaces glutamine 1422 with lysine.
Molecular consequence: missense variant.
Genome position (GRCh38, 1-based): chr7:93,131,708, G>T on the plus strand (C>A on the coding strand, the complement: SAMD9L is on the minus strand). VCF-style: chr7-93131708-G-T. GRCh37 (hg19) VCF-style: chr7-92761021-G-T.
Other names: c.4264C>A, p.Gln1422Lys (NM_001303496.3, NM_001303497.3, NM_001303498.3 and 5 more transcripts); short protein forms Q1422K.
Identifiers: ClinVar variation 5028907 (VCV005028907.1).

ClinVar aggregate classification (germline): Uncertain significance (1 of 4 stars; one submission).

Conditions:
Inborn genetic diseases. Identifiers: MedGen C0950123, MeSH D030342.

Submission:

Ambry Genetics
Classification: Uncertain significance for Inborn genetic diseases. Last evaluated: 2026-07-22. Review status: criteria provided, single submitter. Criteria: Ambry Variant Classification Scheme 2023. Collection method: clinical testing. Allele origin: germline.
Comment: The p.Q1422K variant (also known as c.4264C>A), located in coding exon 1 of the SAMD9L gene, results from a C to A substitution at nucleotide position 4264. The glutamine at codon 1422 is replaced by lysine, an amino acid with similar properties. This amino acid position is conserved. In addition, this alteration is predicted to be tolerated by in silico analysis. Based on the available evidence, the clinical significance of this variant remains unclear.